The following is an entry in ClinVar:

NM_001723.7(DST):c.7229G>A (p.Gly2410Glu)

Gene: DST (dystonin; minus strand). Cytogenetic location: 6p12.1.
Variant type: single nucleotide variant.
Coding change: c.7229G>A on transcript NM_001723.7 (MANE Plus Clinical); coding-DNA position 7229, G replaced by A.
Protein change: p.Gly2410Glu; replaces glycine 2410 with glutamic acid.
Molecular consequence: missense variant. On other transcripts: intron variant (10).
Genome position (GRCh38, 1-based): chr6:56,616,238, C>T on the plus strand (G>A on the coding strand, the complement: DST is on the minus strand). VCF-style: chr6-56616238-C-T. GRCh37 (hg19) VCF-style: chr6-56481036-C-T.
Other names: c.4831-1754G>A (NM_001144769.5); c.4930-1754G>A (NM_001374722.1, NM_001374736.1); c.4957-1754G>A (NM_001374734.1); c.4417-1754G>A (NM_001144770.2); c.4297-1754G>A (NM_001374730.1, NM_001386100.1, NM_183380.4 and 1 more transcripts); c.3319-1754G>A (NM_015548.5); short protein forms G2410E.
Identifiers: ClinVar variation 3751363 (VCV003751363.2).

ClinVar aggregate classification (germline): Uncertain significance (1 of 4 stars; one submission).

Conditions:
Hereditary sensory and autonomic neuropathy type 6. Also called: HSAN VI; Neuropathy, hereditary sensory and autonomic, type VI. Identifiers: Orphanet 314381, MedGen C3539003, MONDO:0013839, OMIM 614653.
Epidermolysis bullosa simplex 3, localized or generalized intermediate, with BP230 deficiency (EBS3). Also called: Epidermolysis bullosa simplex, autosomal recessive 2; Epidermolysis bullosa simplex due to BP230 deficiency. Identifiers: Orphanet 412181, MedGen C3809470, MONDO:0014180, OMIM 615425.

gnomAD v4.1: 6 of 1,614,110 alleles (0.00037%); highest among the groups gnomAD compares: Middle Eastern, 0.017%; 1 homozygote.

Submission:

Labcorp Genetics (formerly Invitae), Labcorp
Classification: Uncertain significance for Epidermolysis bullosa simplex 3, localized or generalized intermediate, with BP230 deficiency; Hereditary sensory and autonomic neuropathy type 6. Last evaluated: 2024-11-09. Review status: criteria provided, single submitter. Criteria: Invitae Variant Classification Sherloc (09022015). Collection method: clinical testing. Allele origin: germline.
Comment: This sequence change replaces glycine, which is neutral and non-polar, with glutamic acid, which is acidic and polar, at codon 2410 of the DST protein (p.Gly2410Glu). This variant is present in population databases (no rsID available, gnomAD 0.003%). This variant has not been reported in the literature in individuals affected with DST-related conditions. An algorithm developed to predict the effect of missense changes on protein structure and function (PolyPhen-2) suggests that this variant is likely to be disruptive. In summary, the available evidence is currently insufficient to determine the role of this variant in disease. Therefore, it has been classified as a Variant of Uncertain Significance.